The following is an entry in ClinVar:

NM_002472.3(MYH8):c.*76G>C

Genes: MYH8 (myosin heavy chain 8; minus strand), MYHAS (myosin heavy chain gene cluster antisense RNA; plus strand). Cytogenetic location: 17p13.1.
Variant type: single nucleotide variant.
Coding change: c.*76G>C on transcript NM_002472.3 (MANE Select); 76 bases downstream of the stop codon, G replaced by C.
Molecular consequence: 3 prime UTR variant.
Genome position (GRCh38, 1-based): chr17:10,390,378, C>G on the plus strand (G>C on the coding strand, the complement: MYH8 is on the minus strand). VCF-style: chr17-10390378-C-G. GRCh37 (hg19) VCF-style: chr17-10293695-C-G.
Identifiers: ClinVar variation 321619 (VCV000321619.9), dbSNP rs3744551, ClinGen allele CA10648503.

ClinVar aggregate classification (germline): Likely benign. Review status: criteria provided, multiple submitters, no conflicts (2 of 4 stars). 3 submissions from 3 submitters: Likely benign (3). Last evaluated 2019-09-04.

Conditions:
Hecht syndrome (DA7). Also called: MOUTH, INABILITY TO OPEN COMPLETELY, AND SHORT FINGER-FLEXOR TENDONS; Dutch-Kentucky syndrome. Identifiers: Orphanet 3377, MedGen C0265226, MONDO:0008016, OMIM 158300. Disease mechanism: gain of function.

Allele frequency attached by ClinVar (database versions not stated): 1000 Genomes Project 0.02177; 1000 Genomes Project 30x 0.02249; TOPMed 0.02534; gnomAD 0.02877 and 0.02944.
gnomAD v4.1: 64,395 of 1,555,640 alleles (4.1%); highest among the groups gnomAD compares: South Asian, 5.2%; 1,601 homozygotes.

Submissions (3):

GeneDx
Classification: Likely benign. Last evaluated: 2019-09-04. Review status: criteria provided, single submitter. Criteria: GeneDx Variant Classification Process June 2021. Collection method: clinical testing. Allele origin: germline. Affected: yes.

Illumina Laboratory Services, Illumina
Classification: Likely benign for Hecht syndrome. Last evaluated: 2018-01-12. Review status: criteria provided, single submitter. Criteria: ICSL Variant Classification Criteria 13 December 2019. Collection method: clinical testing. Allele origin: germline.
Comment: This variant was observed in the ICSL laboratory as part of a predisposition screen in an ostensibly healthy population. It had not been previously curated by ICSL or reported in the Human Gene Mutation Database (HGMD: prior to June 1st, 2018), and was therefore a candidate for classification through an automated scoring system. Utilizing variant allele frequency, disease prevalence and penetrance estimates, and inheritance mode, an automated score was calculated to assess if this variant is too frequent to cause the disease. Based on the score and internal cut-off values, a variant classified as likely benign is not then subjected to further curation. The score for this variant resulted in a classification of likely benign for this disease.

Breakthrough Genomics
Classification: Likely benign. Review status: criteria provided, single submitter. Criteria: ACMG Guidelines, 2015. Collection method: not provided. Allele origin: germline. Inheritance: Autosomal dominant inheritance. Affected: yes.